The following is an entry in ClinVar:

NM_001035.3(RYR2):c.1405C>T (p.His469Tyr)

Gene: RYR2 (ryanodine receptor 2; plus strand). Cytogenetic location: 1q43.
Variant type: single nucleotide variant.
Coding change: c.1405C>T on transcript NM_001035.3 (MANE Select); coding-DNA position 1405, C replaced by T.
Protein change: p.His469Tyr; replaces histidine 469 with tyrosine.
Molecular consequence: missense variant.
Genome position (GRCh38, 1-based): chr1:237,454,503, C>T. VCF-style: chr1-237454503-C-T. GRCh37 (hg19) VCF-style: chr1-237617803-C-T.
Other names: short protein forms H469Y.
Identifiers: ClinVar variation 925667 (VCV000925667.7), dbSNP rs776288769, ClinGen allele CA345380471.

ClinVar aggregate classification (germline): Conflicting classifications of pathogenicity. Review status: criteria provided, conflicting classifications (1 of 4 stars). 2 submissions from 2 submitters: Uncertain significance (1); Likely benign (1). Last evaluated 2025-08-27.

Conditions:
Cardiomyopathy (CMYO). Also called: Cardiomyopathies. Identifiers: Orphanet 167848, MedGen C0878544, MONDO:0004994, HP:0001638. Inheritance: Various modes of inheritance.
Catecholaminergic polymorphic ventricular tachycardia 1. Also called: VENTRICULAR TACHYCARDIA, CATECHOLAMINERGIC POLYMORPHIC, 1, WITH OR WITHOUT ATRIAL DYSFUNCTION AND/OR DILATED CARDIOMYOPATHY; RYR2-Related Catecholaminergic Polymorphic Ventricular Tachycardia; VENTRICULAR TACHYCARDIA, STRESS-INDUCED POLYMORPHIC 1. Identifiers: Orphanet 3286, MedGen C1631597, MONDO:0011484, OMIM 604772.

Allele frequency attached by ClinVar (database versions not stated): gnomAD 0.00001; TOPMed 0.00001.
gnomAD v4.1: 5 of 1,613,364 alleles (0.00031%); highest among the groups gnomAD compares: Non-Finnish European, 0.000085%; no homozygotes.

Submissions (2):

Color Diagnostics, LLC DBA Color Health
Classification: Uncertain significance for Cardiomyopathy. Last evaluated: 2025-08-27. Review status: criteria provided, single submitter. Criteria: ACMG Guidelines, 2015. Collection method: clinical testing. Allele origin: germline.
Comment: This missense variant replaces histidine with tyrosine at codon 469 of the RYR2 protein. Computational prediction suggests that this variant may not impact protein structure and function. To our knowledge, functional studies have not been reported for this variant. This variant has not been reported in individuals affected with RYR2-related disorders in the literature. This variant has been identified in 2/280090 chromosomes in the general population by the Genome Aggregation Database (gnomAD). The available evidence is insufficient to determine the role of this variant in disease conclusively. Therefore, this variant is classified as a Variant of Uncertain Significance.

Labcorp Genetics (formerly Invitae), Labcorp
Classification: Likely benign for Catecholaminergic polymorphic ventricular tachycardia 1. Last evaluated: 2024-11-05. Review status: criteria provided, single submitter. Criteria: Invitae Variant Classification Sherloc (09022015). Collection method: clinical testing. Allele origin: germline.